The following is an entry in ClinVar:

ClinVar aggregate classification (germline): Uncertain significance (1 of 4 stars; one submission).

Conditions:
Epidermolysis bullosa simplex 3, localized or generalized intermediate, with BP230 deficiency (EBS3). Also called: Epidermolysis bullosa simplex due to BP230 deficiency; Epidermolysis bullosa simplex, autosomal recessive 2. Identifiers: Orphanet 412181, MedGen C3809470, MONDO:0014180, OMIM 615425.
Hereditary sensory and autonomic neuropathy type 6. Also called: HSAN VI; Neuropathy, hereditary sensory and autonomic, type VI. Identifiers: Orphanet 314381, MedGen C3539003, MONDO:0013839, OMIM 614653.

Allele frequency attached by ClinVar (database versions not stated): gnomAD exomes 0.00001.
gnomAD v4.1: 5 of 1,568,150 alleles (0.00032%); highest among the groups gnomAD compares: Middle Eastern, 0.034%; no homozygotes.

Submission:

Labcorp Genetics (formerly Invitae), Labcorp
Classification: Uncertain significance for Epidermolysis bullosa simplex 3, localized or generalized intermediate, with BP230 deficiency; Hereditary sensory and autonomic neuropathy type 6. Last evaluated: 2021-08-02. Review status: criteria provided, single submitter. Criteria: Invitae Variant Classification Sherloc (09022015). Collection method: clinical testing. Allele origin: germline.
Comment: In summary, the available evidence is currently insufficient to determine the role of this variant in disease. Therefore, it has been classified as a Variant of Uncertain Significance. Experimental studies and prediction algorithms are not available or were not evaluated, and the functional significance of this variant is currently unknown. This variant has not been reported in the literature in individuals affected with DST-related conditions. This variant is not present in population databases (ExAC no frequency). This sequence change replaces asparagine with serine at codon 3955 of the DST protein (p.Asn3955Ser). The DST gene has multiple clinically relevant transcripts. This variant occurs in alternate transcript NM_015548.4, and corresponds to NM_001723.5:c.*113990A>G in the primary transcript.

NM_001374736.1(DST):c.19733A>G (p.Asn6578Ser)

Gene: DST (dystonin; minus strand). Cytogenetic location: 6p12.1.
Variant type: single nucleotide variant.
Coding change: c.19733A>G on transcript NM_001374736.1 (MANE Select); coding-DNA position 19733, A replaced by G.
Protein change: p.Asn6578Ser; replaces asparagine 6578 with serine.
Molecular consequence: missense variant.
Genome position (GRCh38, 1-based): chr6:56,501,527, T>C on the plus strand (A>G on the coding strand, the complement: DST is on the minus strand). VCF-style: chr6-56501527-T-C. GRCh37 (hg19) VCF-style: chr6-56366325-T-C.
Other names: c.13376A>G, p.Asn4459Ser (NM_001144769.5); c.12962A>G, p.Asn4321Ser (NM_001144770.2); c.19733A>G, p.Asn6578Ser (NM_001374722.1); c.18773A>G, p.Asn6258Ser (NM_001374729.1); c.12515A>G, p.Asn4172Ser (NM_001374730.1); c.19760A>G, p.Asn6587Ser (NM_001374734.1); c.12842A>G, p.Asn4281Ser (NM_001386100.1, NM_183380.4); c.11864A>G, p.Asn3955Ser (NM_015548.5); short protein forms N3955S, N4172S, N4321S, N4281S, N6258S, N4459S, N6578S, N6587S.
Identifiers: ClinVar variation 1371638 (VCV001371638.6), dbSNP rs1045480749, ClinGen allele CA139193242.